The following is an entry in ClinVar:

ClinVar aggregate classification (germline): Uncertain significance (1 of 4 stars; one submission).

Allele frequency attached by ClinVar (database versions not stated): gnomAD 0.00001; TOPMed 0.00001.
gnomAD v4.1: 27 of 1,231,728 alleles (0.0022%); highest among the groups gnomAD compares: East Asian, 0.0032%; no homozygotes.

Submission:

Labcorp Genetics (formerly Invitae), Labcorp
Classification: Uncertain significance. Last evaluated: 2021-08-27. Review status: criteria provided, single submitter. Criteria: Invitae Variant Classification Sherloc (09022015). Collection method: clinical testing. Allele origin: germline.
Comment: This sequence change replaces glycine with serine at codon 31 of the LRIT3 protein (p.Gly31Ser). The glycine residue is weakly conserved and there is a small physicochemical difference between glycine and serine. The frequency data for this variant in the population databases is considered unreliable, as metrics indicate insufficient coverage at this position in the ExAC database. This variant has not been reported in the literature in individuals affected with LRIT3-related conditions. Algorithms developed to predict the effect of missense changes on protein structure and function output the following: SIFT: "Deleterious"; PolyPhen-2: "Benign"; Align-GVGD: "Class C0". The serine amino acid residue is found in multiple mammalian species, which suggests that this missense change does not adversely affect protein function. Algorithms developed to predict the effect of sequence changes on RNA splicing suggest that this variant may create or strengthen a splice site. In summary, the available evidence is currently insufficient to determine the role of this variant in disease. Therefore, it has been classified as a Variant of Uncertain Significance.

NM_198506.5(LRIT3):c.91G>A (p.Gly31Ser)

Gene: LRIT3 (leucine rich repeat, Ig-like and transmembrane domains 3; plus strand). Cytogenetic location: 4q25.
Variant type: single nucleotide variant.
Coding change: c.91G>A on transcript NM_198506.5 (MANE Select); coding-DNA position 91, G replaced by A.
Protein change: p.Gly31Ser; replaces glycine 31 with serine.
Molecular consequence: missense variant.
Genome position (GRCh38, 1-based): chr4:109,848,292, G>A. VCF-style: chr4-109848292-G-A. GRCh37 (hg19) VCF-style: chr4-110769448-G-A.
Other names: short protein forms G31S.
Identifiers: ClinVar variation 1519319 (VCV001519319.5), dbSNP rs747506214, ClinGen allele CA103728504.
Genomic context (GRCh38, chr4:109,848,292, plus strand): 5'-CTTAGCTTTTTGGAAGGAGTGGGCTGTTTGTGTCCTTCACAGTGCACCTGTGATTATCAC[G>A]GCAGAAATGACGGCTCAGGATCAAGGTATGCTCCTCTGCTTGTTACTAAGTGTTCTCATT-3'
Protein context (NP_940908.3, residues 21-41): CPSQCTCDYH[Gly31Ser]RNDGSGSRLV